The following is an entry in ClinVar:

ClinVar aggregate classification (germline): Likely benign. Review status: criteria provided, multiple submitters, no conflicts (2 of 4 stars). 2 submissions from 2 submitters: Likely benign (2). Last evaluated 2019-07-11.

Allele frequency attached by ClinVar (database versions not stated): gnomAD exomes below 0.00001.
gnomAD v4.1: 9 of 1,614,264 alleles (0.00056%); highest among the groups gnomAD compares: Non-Finnish European, 0.00051%; no homozygotes.

Submissions (2):

Ambry Genetics
Classification: Likely benign. Last evaluated: 2019-07-11. Review status: criteria provided, single submitter. Criteria: Ambry Variant Classification Scheme 2023. Collection method: clinical testing. Allele origin: germline.

GeneDx
Classification: Likely benign. Last evaluated: 2017-08-10. Review status: criteria provided, single submitter. Criteria: GeneDx Variant Classification (06012015). Collection method: clinical testing. Allele origin: germline. Affected: yes.
Comment: This variant is considered likely benign or benign based on one or more of the following criteria: it is a conservative change, it occurs at a poorly conserved position in the protein, it is predicted to be benign by multiple in silico algorithms, and/or has population frequency not consistent with disease.

NM_002109.6(HARS1):c.1054C>T (p.Leu352=)

Gene: HARS1 (histidyl-tRNA synthetase 1; minus strand). Cytogenetic location: 5q31.3.
Variant type: single nucleotide variant.
Coding change: c.1054C>T on transcript NM_002109.6 (MANE Select); coding-DNA position 1054, C replaced by T.
Protein change: p.Leu352=; no amino-acid change (leucine 352 retained).
Molecular consequence: synonymous variant.
Genome position (GRCh38, 1-based): chr5:140,676,794, G>A on the plus strand (C>T on the coding strand, the complement: HARS1 is on the minus strand). VCF-style: chr5-140676794-G-A. GRCh37 (hg19) VCF-style: chr5-140056379-G-A.
Other names: c.934C>T, p.Leu312= (NM_001258040.3); c.994C>T, p.Leu332= (NM_001258041.3); c.874C>T, p.Leu292= (NM_001258042.3); c.832C>T, p.Leu278= (NM_001289092.2); c.712C>T, p.Leu238= (NM_001289093.2); c.967C>T, p.Leu323= (NM_001289094.2).
Identifiers: ClinVar variation 511179 (VCV000511179.3), dbSNP rs1554106864, ClinGen allele CA446804088.